The following is an entry in ClinVar:

ClinVar aggregate classification (germline): Likely benign. Review status: criteria provided, multiple submitters, no conflicts (2 of 4 stars). 2 submissions from 2 submitters: Likely benign (2). Last evaluated 2025-07-22.

Conditions:
Hereditary nonpolyposis colorectal neoplasms. Identifiers: MedGen C0009405, MeSH D003123.
Lynch syndrome 4 (LYNCH4). Also called: Colorectal cancer, hereditary nonpolyposis, type 4; Hereditary non-polyposis colorectal cancer, type 4. Identifiers: Orphanet 144, MedGen C1838333, MONDO:0013699, OMIM 614337. Disease mechanism: loss of function.

Allele frequency attached by ClinVar (database versions not stated): TOPMed below 0.00001; gnomAD 0.00001.

Submissions (2):

Labcorp Genetics (formerly Invitae), Labcorp
Classification: Likely benign for Hereditary nonpolyposis colorectal neoplasms. Last evaluated: 2025-07-22. Review status: criteria provided, single submitter. Criteria: Invitae Variant Classification Sherloc (09022015). Collection method: clinical testing. Allele origin: germline.

Myriad Genetics, Inc.
Classification: Likely benign for Lynch syndrome 4. Last evaluated: 2025-02-03. Review status: criteria provided, single submitter. Criteria: Myriad Autosomal Dominant, Autosomal Recessive and X-Linked Classification Criteria (2023). Collection method: clinical testing. Allele origin: unknown.
Comment: This variant is considered likely benign. This variant is intronic and is not expected to impact mRNA splicing.

NM_000535.7(PMS2):c.2276-19C>T

Gene: PMS2 (PMS1 homolog 2, mismatch repair system component; minus strand). Cytogenetic location: 7p22.1.
Variant type: single nucleotide variant.
Coding change: c.2276-19C>T on transcript NM_000535.7 (MANE Select); 19 bases into the intron before coding-DNA position 2276, C replaced by T.
Molecular consequence: intron variant. On other transcripts: nonsense (7).
Genome position (GRCh38, 1-based): chr7:5,977,776, G>A on the plus strand (C>T on the coding strand, the complement: PMS2 is on the minus strand). VCF-style: chr7-5977776-G-A. GRCh37 (hg19) VCF-style: chr7-6017407-G-A.
Other names: c.1885C>T, p.Gln629Ter (NM_001322009.2, NM_001406887.1, NM_001406888.1); c.2290C>T, p.Gln764Ter (NM_001322014.2); c.2134C>T, p.Gln712Ter (NM_001406870.1); c.1981C>T, p.Gln661Ter (NM_001406875.1); c.1972C>T, p.Gln658Ter (NM_001406876.1); c.1958-19C>T (NM_001322008.2, NM_001322007.2); c.1715-19C>T (NM_001322010.2); c.1871-19C>T (NM_001322004.2, NM_001322003.2, NM_001322005.2); and 4 more; short protein forms Q658*, Q712*, Q629*, Q661*, Q764*.
Identifiers: ClinVar variation 2039375 (VCV002039375.5), dbSNP rs1176555471, ClinGen allele CA572822707.